The following is an entry in ClinVar:

NM_000136.3(FANCC):c.510C>T (p.Asn170=)

Gene: FANCC (FA complementation group C; minus strand). Cytogenetic location: 9q22.32.
Variant type: single nucleotide variant.
Coding change: c.510C>T on transcript NM_000136.3 (MANE Select); coding-DNA position 510, C replaced by T.
Protein change: p.Asn170=; no amino-acid change (asparagine 170 retained).
Molecular consequence: synonymous variant.
Genome position (GRCh38, 1-based): chr9:95,171,090, G>A on the plus strand (C>T on the coding strand, the complement: FANCC is on the minus strand). VCF-style: chr9-95171090-G-A. GRCh37 (hg19) VCF-style: chr9-97933372-G-A.
Other names: c.510C>T, p.Asn170= (NM_001243743.2, NM_001243744.2).
Identifiers: ClinVar variation 1049004 (VCV001049004.13), dbSNP rs777734585, ClinGen allele CA5137717.
Genomic context (GRCh38, chr9:95,171,090, plus strand): 5'-CTGATACATTTTGAAACCTGAGAAGAAGGATGTTTAGTTTAACACCTACCGCCTTTGAGT[G>A]TTAAATCCATTAAGATGATTCTCTCTGAGTTCAGACGCTAATGATAAAACCATCTGTAAA-3'
Protein context (NP_000127.2, residues 160-180): ELRENHLNGF[Asn170=]TQRRMAPERV

ClinVar aggregate classification (germline): Likely benign. Review status: criteria provided, multiple submitters, no conflicts (2 of 4 stars). 3 submissions from 3 submitters: Likely benign (2). 1 of the submissions does not count toward it. Last evaluated 2023-12-16.

Conditions:
Hereditary cancer-predisposing syndrome. Also called: Tumor predisposition; Hereditary neoplastic syndrome; Hereditary Cancer Syndrome; Neoplastic Syndromes, Hereditary. Identifiers: Orphanet 140162, MedGen C0027672, MeSH D009386, MONDO:0015356.
Fanconi anemia (FA). Also called: Fanconi's anemia. Identifiers: Orphanet 84, MedGen C0015625, MeSH D005199, MONDO:0019391.
Malignant tumor of breast. Also called: Malignant breast neoplasm; Cancer breast. Identifiers: MedGen C0006142, MONDO:0007254. Disease mechanism: loss of function.

Allele frequency attached by ClinVar (database versions not stated): gnomAD exomes below 0.00001; TOPMed below 0.00001; ExAC 0.00001; gnomAD 0.00001.
gnomAD v4.1: 2 of 1,612,644 alleles (0.00012%); highest among the groups gnomAD compares: African/African-American, 0.0027%; no homozygotes.

Submissions (3):

Labcorp Genetics (formerly Invitae), Labcorp
Classification: Likely benign for Fanconi anemia. Last evaluated: 2023-12-16. Review status: criteria provided, single submitter. Criteria: Invitae Variant Classification Sherloc (09022015). Collection method: clinical testing. Allele origin: germline.

Ambry Genetics
Classification: Likely benign for Hereditary cancer-predisposing syndrome. Last evaluated: 2022-05-26. Review status: criteria provided, single submitter. Criteria: Ambry Variant Classification Scheme 2023. Collection method: clinical testing. Allele origin: germline.

Department of Pathology and Laboratory Medicine, Sinai Health System
Classification: Likely benign for Malignant tumor of breast. Review status: no assertion criteria provided. Collection method: clinical testing. Allele origin: unknown. Affected: yes. Observed: 1 variant allele. Study: The Canadian Open Genetics Repository (COGR). Not counted in ClinVar's aggregate classification.
Comment: The FANCC p.Asn170= variant was not identified in the literature nor was it identified in the following databases: ClinVar, Cosmic, MutDB, or LOVD 3.0. The variant was identified in dbSNP (ID: rs777734585), and in control databases in 1 of 245944 chromosomes at a frequency of 0.000004 (Genome Aggregation Database Feb 27, 2017). It was observed in the African population in 1 of 15298 chromosomes (freq: 0.00007); it was not observed in the â€šÃ„ÃºOtherâ€šÃ„Ã¹, Latino, European Non-Finnish, Ashkenazi Jewish, East Asian, European Finnish, and South Asian populations. The p.Asn170= variant is not expected to have clinical significance because it does not result in a change of amino acid and is not located in a known consensus splice site. In addition, in silico or computational prediction software programs (SpliceSiteFinder, MaxEntScan, NNSPLICE, GeneSplicer, HumanSpliceFinder) do not predict a difference in splicing. In summary, based on the above information, the clinical significance of this variant cannot be determined with certainty at this time although we would lean towards a more benign role for this variant. This variant is classified as likely benign.